The following is an entry in ClinVar:

ClinVar aggregate classification (germline): Likely benign (1 of 4 stars; one submission).

Submission:

CeGaT Center for Human Genetics Tuebingen
Classification: Likely benign. Last evaluated: 2025-04-01. Review status: criteria provided, single submitter. Criteria: CeGaT Center For Human Genetics Tuebingen Variant Classification Criteria Version 2. Collection method: clinical testing. Allele origin: germline. Affected: yes. Observed: 1 variant allele.
Comment: STAG1: BP4, BP7

NM_005862.3(STAG1):c.2601T>C (p.Asn867=)

Gene: STAG1 (STAG1 cohesin complex component; minus strand). Cytogenetic location: 3q22.3.
Variant type: single nucleotide variant.
Coding change: c.2601T>C on transcript NM_005862.3 (MANE Select); coding-DNA position 2601, T replaced by C.
Protein change: p.Asn867=; no amino-acid change (asparagine 867 retained).
Molecular consequence: synonymous variant.
Genome position (GRCh38, 1-based): chr3:136,367,027, A>G on the plus strand (T>C on the coding strand, the complement: STAG1 is on the minus strand). VCF-style: chr3-136367027-A-G. GRCh37 (hg19) VCF-style: chr3-136085869-A-G.
Identifiers: ClinVar variation 3898462 (VCV003898462.7).